The following is an entry in ClinVar:

NM_002430.3(MN1):c.3744G>A (p.Trp1248Ter)

Gene: MN1 (MN1 proto-oncogene, transcriptional regulator; minus strand). Cytogenetic location: 22q12.1.
Variant type: single nucleotide variant.
Coding change: c.3744G>A on transcript NM_002430.3 (MANE Select); coding-DNA position 3744, G replaced by A.
Protein change: p.Trp1248Ter; replaces tryptophan 1248 with a stop codon.
Molecular consequence: nonsense.
Genome position (GRCh38, 1-based): chr22:27,796,800, C>T on the plus strand (G>A on the coding strand, the complement: MN1 is on the minus strand). VCF-style: chr22-27796800-C-T. GRCh37 (hg19) VCF-style: chr22-28192788-C-T.
Other names: short protein forms W1248*.
Identifiers: ClinVar variation 1700233 (VCV001700233.3), dbSNP rs1297805962, ClinGen allele CA411041598.

ClinVar aggregate classification (germline): Pathogenic/Likely pathogenic. Review status: criteria provided, multiple submitters, no conflicts (2 of 4 stars). 2 submissions from 2 submitters: Pathogenic (1); Likely pathogenic (1). Last evaluated 2021-11-17.

Conditions:
CEBALID syndrome (CEBALID). Also called: MN1 C-TERMINAL TRUNCATION SYNDROME; CRANIOFACIAL DEFECTS, DYSMORPHIC EARS, STRUCTURAL BRAIN ABNORMALITIES, EXPRESSIVE LANGUAGE DELAY, AND IMPAIRED INTELLECTUAL DEVELOPMENT. Identifiers: Orphanet 693549, MedGen C5394044, MONDO:0032908, OMIM 618774.

Submissions (2):

MGZ Medical Genetics Center
Classification: Likely pathogenic for CEBALID syndrome. Last evaluated: 2021-11-17. Review status: criteria provided, single submitter. Criteria: ACMG Guidelines, 2015. Collection method: clinical testing. Allele origin: germline. Affected: yes. Observed: 1 variant allele.
Comment: ACMG criteria applied: PVS1, PM2_SUP

Centre de Biologie Pathologie Génétique, Centre Hospitalier Universitaire de Lille
Classification: Pathogenic for CEBALID syndrome. Review status: criteria provided, single submitter. Criteria: ACMG Guidelines, 2015. Collection method: clinical testing. Allele origin: de novo. Affected: yes.